The following is an entry in ClinVar:

NM_001370259.2(MEN1):c.57_58insT (p.Val20fs)

Gene: MEN1 (menin 1; minus strand). Cytogenetic location: 11q13.1.
Variant type: Insertion.
Coding change: c.57_58insT on transcript NM_001370259.2 (MANE Select); coding-DNA positions 57 to 58, T inserted.
Protein change: p.Val20fs; shifts the reading frame from valine 20.
Molecular consequence: frameshift variant.
Genome position: GRCh38 VCF-style: chr11-64810052-C-CA. GRCh37 (hg19) VCF-style: chr11-64577524-C-CA.
Other names: c.57_58insT, p.Val20fs (NM_000244.4, NM_001370251.2, NM_001370260.2 and 9 more transcripts); short protein forms V20fs.
Identifiers: ClinVar variation 200993 (VCV000200993.2), dbSNP rs794728636, ClinGen allele CA009493.

ClinVar aggregate classification (germline): Pathogenic (1 of 4 stars; one submission).

Submission:

GeneDx
Classification: Pathogenic. Last evaluated: 2014-05-15. Review status: criteria provided, single submitter. Criteria: GeneDx Variant Classification (06012015). Collection method: clinical testing. Allele origin: germline. Affected: yes.
Comment: The c.57_58insT mutation in the MEN1 gene causes a frameshift starting with codon Valine 20, changes this amino acid to a Cysteine residue and creates a premature Stop codon at position 97 of the new reading frame, denoted p.Val20CysfsX97. The normal sequence with the base that is inserted in braces is: GTGG{T}TGCG. This mutation is predicted to cause loss of normal protein function either through protein truncation or nonsense-mediated mRNA decay. Although this mutation has not been previously reported to our knowledge, its presence is consistent with a diagnosis of multiple endocrine neoplasia type 1. The variant is found in MEN1 panel(s).